The following is an entry in ClinVar:

NM_002224.4(ITPR3):c.1148+10C>T

Gene: ITPR3 (inositol 1,4,5-trisphosphate receptor type 3; plus strand). Cytogenetic location: 6p21.31.
Variant type: single nucleotide variant.
Coding change: c.1148+10C>T on transcript NM_002224.4 (MANE Select); 10 bases into the intron after coding-DNA position 1148, C replaced by T.
Molecular consequence: intron variant.
Genome position (GRCh38, 1-based): chr6:33,663,890, C>T. VCF-style: chr6-33663890-C-T. GRCh37 (hg19) VCF-style: chr6-33631667-C-T.
Identifiers: ClinVar variation 739556 (VCV000739556.7), dbSNP rs73746705, ClinGen allele CA3760164.
Genomic context (GRCh38, chr6:33,663,890, plus strand): 5'-CTTTGAGCTGGACCCCACCACCTTGCAGAAAACCGACTCTTTCGTGCCCCGGTGGGTATG[C>T]GCCATGTGCCTGGGAGTTGACTGGTGGTGCTCAGGGTGGGCCCTCCTGTCTCTGGGACTC-3'

ClinVar aggregate classification (germline): Conflicting classifications of pathogenicity. Review status: criteria provided, conflicting classifications (1 of 4 stars). 4 submissions from 4 submitters: Uncertain significance (1); Likely benign (2). 1 of the submissions does not count toward it. Last evaluated 2026-09-01.

Conditions:
ITPR3-related disorder. Also called: ITPR3-related condition.
Immunodeficiency 133 with ectodermal dysplasia with or without peripheral neuropathy. Identifiers: MedGen C6012744, MONDO:0979570, OMIM 621254.

Allele frequency attached by ClinVar (database versions not stated): gnomAD exomes 0.00014 and 0.00021; ExAC 0.00026; 1000 Genomes Project 30x 0.00031; ESP Exome Variant Server 0.00031; 1000 Genomes Project 0.00040; gnomAD 0.00050 and 0.00056; TOPMed 0.00066.
gnomAD v4.1: 301 of 1,613,752 alleles (0.019%); highest among the groups gnomAD compares: African/African-American, 0.15%; no homozygotes.

Submissions (4):

CeGaT Center for Human Genetics Tuebingen
Classification: Likely benign. Last evaluated: 2026-09-01. Review status: criteria provided, single submitter. Criteria: CeGaT Center For Human Genetics Tuebingen Variant Classification Criteria Version 2. Collection method: clinical testing. Allele origin: germline. Affected: yes. Observed: 1 variant allele.
Comment: ITPR3: PP3, BS1

St. Jude Molecular Pathology, St. Jude Children's Research Hospital
Classification: Uncertain significance for Immunodeficiency 133 with ectodermal dysplasia with or without peripheral neuropathy. Last evaluated: 2026-02-20. Review status: criteria provided, single submitter. Criteria: St. Jude Assertion Criteria 2020. Collection method: clinical testing. Allele origin: germline.
Comment: The ITPR3 c.11 48+10C>T intronic change results in a C to T substitution at the +10 position of intron 11 of the ITPR3 gene. Algorithms that predict the impact of sequence changes on splicing indicate that this variant may impact splicing but to our knowledge these pre dictions have not been confirmed by RNA studies. This variant has a maximum subpopulation frequency of 0.13% in gnomAD v2.1.1. This variant has not been reported in individuals with ITPR3-associated disease. In summar y, the evidence currently available is insufficient to determine the clinical significance of this variant. It has therefore been classified as of uncertain significance.

Labcorp Genetics (formerly Invitae), Labcorp
Classification: Likely benign. Last evaluated: 2018-04-16. Review status: criteria provided, single submitter. Criteria: Invitae Variant Classification Sherloc (09022015). Collection method: clinical testing. Allele origin: germline.

PreventionGenetics, part of Exact Sciences
Classification: Likely benign for ITPR3-related condition. Last evaluated: 2019-02-20. Review status: no assertion criteria provided. Collection method: clinical testing. Allele origin: germline. Not counted in ClinVar's aggregate classification.
Comment: This variant is classified as likely benign based on ACMG/AMP sequence variant interpretation guidelines (Richards et al. 2015 PMID: 25741868, with internal and published modifications).